The following is an entry in ClinVar:

ClinVar aggregate classification (germline): Pathogenic (1 of 4 stars; one submission).

Conditions:
Hypophosphatemic rickets. Identifiers: MedGen C1704375, MeSH D063730, MONDO:0024300, HP:0004912.

Submission:

Laboratory of Cyto-molecular Genetics, Department of Anatomy, All India Institute of Medical Sciences (AIIMS), New Delhi
Classification: Pathogenic for Hypophosphatemic rickets. Last evaluated: 2022-02-07. Review status: criteria provided, single submitter. Criteria: ACMG Guidelines, 2015. Collection method: clinical testing. Allele origin: germline. Affected: yes. Observed: 4 variant alleles.
Comment: p.(Met1?); loss of start codon

Literature cited by the submitters: PubMed 35738466.

NM_004407.4(DMP1):c.2T>A (p.Met1Lys)

Genes: DMP1 (dentin matrix acidic phosphoprotein 1; plus strand), DMP1-AS1 (DMP1 and DSPP antisense RNA 1; minus strand). Cytogenetic location: 4q22.1.
Variant type: single nucleotide variant.
Coding change: c.2T>A on transcript NM_004407.4 (MANE Select); coding-DNA position 2, T replaced by A.
Protein change: p.Met1Lys; changes the start codon (methionine 1).
Molecular consequence: missense variant, initiator codon variant.
Genome position (GRCh38, 1-based): chr4:87,656,494, T>A. VCF-style: chr4-87656494-T-A. GRCh37 (hg19) VCF-style: chr4-88577646-T-A.
Other names: c.2T>A, p.Met1Lys (NM_001079911.3); short protein forms M1K.
Identifiers: ClinVar variation 1339444 (VCV001339444.4), dbSNP rs1578152074, ClinGen allele CA357697446.